The following is an entry in ClinVar:

NM_001379110.1(SLC9A6):c.990A>G (p.Thr330=)

Gene: SLC9A6 (solute carrier family 9 member A6; plus strand). Cytogenetic location: Xq26.3.
Variant type: single nucleotide variant.
Coding change: c.990A>G on transcript NM_001379110.1 (MANE Select); coding-DNA position 990, A replaced by G.
Protein change: p.Thr330=; no amino-acid change (threonine 330 retained).
Molecular consequence: synonymous variant.
Genome position (GRCh38, 1-based): chrX:136,013,053, A>G. VCF-style: chrX-136013053-A-G. GRCh37 (hg19) VCF-style: chrX-135095212-A-G.
Other names: c.1146A>G, p.Thr382= (NM_001042537.2, NM_001438742.1); c.990A>G, p.Thr330= (NM_001177651.2, NM_001400909.1, NM_001400910.1 and 2 more transcripts); c.894A>G, p.Thr298= (NM_001330652.2, NM_001400913.1); c.1050A>G, p.Thr350= (NM_006359.3).
Identifiers: ClinVar variation 4879772 (VCV004879772.1).

ClinVar aggregate classification (germline): Uncertain significance (1 of 4 stars; one submission).

Conditions:
Christianson syndrome (MRXSCH). Also called: X-linked mental retardation, syndromic, Christianson type; INTELLECTUAL DEVELOPMENTAL DISORDER, X-LINKED, SYNDROMIC, CHRISTIANSON TYPE; SLC9A6-Related Syndromic Mental Retardation. Identifiers: Orphanet 85278, MedGen C2678194, MONDO:0010278, OMIM 300243.

gnomAD v4.1: 6 of 1,165,902 alleles (0.00051%); highest among the groups gnomAD compares: Non-Finnish European, 0.0007%; no homozygotes.

Submission:

Victorian Clinical Genetics Services, Murdoch Childrens Research Institute
Classification: Uncertain significance for Christianson syndrome. Last evaluated: 2026-04-15. Review status: criteria provided, single submitter. Criteria: ACMG Guidelines, 2015. Collection method: clinical testing. Allele origin: germline.
Comment: This variant is classified as VUS-3B. Evidence in support of pathogenic classification: Non-canonical splice site variant without proven consequence on splicing (no functional evidence available). This variant is synonymous at the protein level; however, it affects the second last nucleotide of exon 9 of 18, and may impact splicing. No functional evidence is currently available to determine the consequence on splicing; Variant is present in gnomAD <0.01 (v4: 6 heterozygote(s), 0 homozygote(s), 0 hemizygote(s)). Additional information: This variant is hemizygous; This gene is associated with X-linked disease. Intellectual developmental disorder, X-linked syndromic, Christianson type, (MIM#300243) typically affects males while milder heterozygous females have been described. Neurodegenerative disorder, X-linked, female-restricted, with parkinsonism and cognitive impairment (MIM#301142) only affects heterozygous females. There is no genotype-phenotype correlation; both conditions have been reported in different members of the same family with the same variant (PMID: 39810750, 27142213); This variant has no previous evidence of pathogenicity; No published evidence of segregation with disease has been identified for this variant; No published functional evidence has been identified for this variant; No comparable non-canonical splice variants have previous evidence for pathogenicity; In silico prediction for abnormal splicing and nucleotide conservation are conflicting; Loss of function is a known mechanism of disease in this gene and is associated with intellectual developmental disorder, X-linked syndromic, Christianson type, (MIM#300243) and neurodegenerative disorder, X-linked, female-restricted, with parkinsonism and cognitive impairment (MIM#301142). Gain of function has also been suggested; however evidence demonstrating this is limited (PMID: 30296617).

Literature cited by the submitters: PubMed 30296617; PubMed 39810750; PubMed 27142213.